The following is an entry in ClinVar:

Conditions:
Long QT syndrome 5 (LQT5). Identifiers: Orphanet 101016, Orphanet 768, MedGen C1867904, MONDO:0013372, OMIM 613695.

Submission:

Roden Lab, Vanderbilt University Medical Center
No classification provided (evidence only). Condition: Long QT syndrome 5. Review status: no classification provided. Collection method: in vitro. Allele origin: not applicable. Functional consequence: Effect on ion channel function.
ClinVar note: "not provided" was previously submitted as the classification for the variant. However, the classification appeared to be based only on an observation of functional data so it was converted to no classification on 2025-07-30.

NM_000219.6(KCNE1):c.227A>C (p.Asp76Ala)

Gene: KCNE1 (potassium voltage-gated channel subfamily E regulatory subunit 1; minus strand). Cytogenetic location: 21q22.12.
Variant type: single nucleotide variant.
Coding change: c.227A>C on transcript NM_000219.6 (MANE Select); coding-DNA position 227, A replaced by C.
Protein change: p.Asp76Ala; replaces aspartic acid 76 with alanine.
Molecular consequence: missense variant.
Genome position (GRCh38, 1-based): chr21:34,449,408, T>G on the plus strand (A>C on the coding strand, the complement: KCNE1 is on the minus strand). VCF-style: chr21-34449408-T-G. GRCh37 (hg19) VCF-style: chr21-35821706-T-G.
Other names: c.227A>C, p.Asp76Ala (NM_001127668.4, NM_001127669.4, NM_001127670.4 and 4 more transcripts); short protein forms D76A.
Identifiers: ClinVar variation 3374374 (VCV003374374.2).